The following is an entry in ClinVar:

ClinVar aggregate classification (germline): Uncertain significance. Review status: criteria provided, multiple submitters, no conflicts (2 of 4 stars). 2 submissions from 2 submitters: Uncertain significance (2). Last evaluated 2025-10-30.

Conditions:
SLC9A1-related disorder. Also called: SLC9A1-related condition.

gnomAD v4.1: 149 of 1,603,588 alleles (0.0093%); highest among the groups gnomAD compares: East Asian, 0.013%; no homozygotes.

Submissions (2):

Ambry Genetics
Classification: Uncertain significance. Last evaluated: 2025-10-30. Review status: criteria provided, single submitter. Criteria: Ambry Variant Classification Scheme 2023. Collection method: clinical testing. Allele origin: germline.

PreventionGenetics, part of Exact Sciences
Classification: Uncertain significance for SLC9A1-related condition. Last evaluated: 2025-08-20. Review status: criteria provided, single submitter. Criteria: ACMG Guidelines, 2015. Collection method: clinical testing. Allele origin: germline.
Comment: The SLC9A1 c.1165G>A variant is predicted to result in the amino acid substitution p.Val389Ile. To our knowledge, this variant has not been reported in the literature. This variant is reported in 0.016% of alleles in individuals of East Asian descent in gnomAD. At this time, the clinical significance of this variant is uncertain due to the absence of conclusive functional and genetic evidence.

NM_003047.5(SLC9A1):c.1165G>A (p.Val389Ile)

Gene: SLC9A1 (solute carrier family 9 member A1; minus strand). Cytogenetic location: 1p36.11.
Variant type: single nucleotide variant.
Coding change: c.1165G>A on transcript NM_003047.5 (MANE Select); coding-DNA position 1165, G replaced by A.
Protein change: p.Val389Ile; replaces valine 389 with isoleucine.
Molecular consequence: missense variant. On other transcripts: non-coding transcript variant (1).
Genome position (GRCh38, 1-based): chr1:27,107,765, C>T on the plus strand (G>A on the coding strand, the complement: SLC9A1 is on the minus strand). VCF-style: chr1-27107765-C-T. GRCh37 (hg19) VCF-style: chr1-27434256-C-T.
Other names: c.1165G>A (NM_003047.4); short protein forms V389I.
Identifiers: ClinVar variation 4586346 (VCV004586346.2).
Genomic context (GRCh38, chr1:27,107,765, plus strand): 5'-AGTGGTGGGAGCCGGCCACCGTGGAGACGCCGAGGAAGATGAAGATGAGGGTCTCGCTGA[C>T]GCTGCTCCACATCTTCAGGAAGTATTTGATGGTGGTGTGGGACTTGTGGGAGATGTTGGC-3'
Protein context (NP_003038.2, residues 379-399): IKYFLKMWSS[Val389Ile]SETLIFIFLG